The following is an entry in ClinVar:

ClinVar aggregate classification (germline): Uncertain significance (1 of 4 stars; one submission).

Submission:

Labcorp Genetics (formerly Invitae), Labcorp
Classification: Uncertain significance. Last evaluated: 2021-09-18. Review status: criteria provided, single submitter. Criteria: Invitae Variant Classification Sherloc (09022015). Collection method: clinical testing. Allele origin: germline.
Comment: In summary, the available evidence is currently insufficient to determine the role of this variant in disease. Therefore, it has been classified as a Variant of Uncertain Significance. Variants that disrupt the consensus splice site are a relatively common cause of aberrant splicing (PMID: 17576681, 9536098). Algorithms developed to predict the effect of sequence changes on RNA splicing suggest that this variant may disrupt the consensus splice site. This variant has not been reported in the literature in individuals affected with UNC80-related conditions. This variant is not present in population databases (ExAC no frequency). This sequence change affects codon 266 of the UNC80 mRNA. It is a 'silent' change, meaning that it does not change the encoded amino acid sequence of the UNC80 protein. This variant also falls at the last nucleotide of exon 6, which is part of the consensus splice site for this exon.

Literature cited by the submitters: PubMed 17576681; PubMed 9536098.

NM_001371986.1(UNC80):c.798G>A (p.Glu266=)

Gene: UNC80 (unc-80 homolog, NALCN channel complex subunit; plus strand). Cytogenetic location: 2q34.
Variant type: single nucleotide variant.
Coding change: c.798G>A on transcript NM_001371986.1 (MANE Select); coding-DNA position 798, G replaced by A.
Protein change: p.Glu266=; no amino-acid change (glutamic acid 266 retained).
Molecular consequence: synonymous variant.
Genome position (GRCh38, 1-based): chr2:209,789,605, G>A. VCF-style: chr2-209789605-G-A. GRCh37 (hg19) VCF-style: chr2-210654329-G-A.
Other names: c.798G>A, p.Glu266= (NM_032504.2, NM_182587.4).
Identifiers: ClinVar variation 1520126 (VCV001520126.4), dbSNP rs2153825479, ClinGen allele CA430986742.